The following is an entry in ClinVar:

NM_000393.5(COL5A2):c.464G>A (p.Arg155His)

Gene: COL5A2 (collagen type V alpha 2 chain; minus strand). Cytogenetic location: 2q32.2.
Variant type: single nucleotide variant.
Coding change: c.464G>A on transcript NM_000393.5 (MANE Select); coding-DNA position 464, G replaced by A.
Protein change: p.Arg155His; replaces arginine 155 with histidine.
Molecular consequence: missense variant.
Genome position (GRCh38, 1-based): chr2:189,092,413, C>T on the plus strand (G>A on the coding strand, the complement: COL5A2 is on the minus strand). VCF-style: chr2-189092413-C-T. GRCh37 (hg19) VCF-style: chr2-189957139-C-T.
Other names: c.464G>A (NM_000393.3); short protein forms R155H.
Identifiers: ClinVar variation 1034538 (VCV001034538.11), dbSNP rs754702218, ClinGen allele CA2023046.
Genomic context (GRCh38, chr2:189,092,413, plus strand): 5'-GGTCCTGGAGCACCAGGTTGACCAGGAACACCTGGTTCTCCATCAATTCCCTGAGGTCCA[C>T]GAGGGCCCTGGAAAACAAGCCAGTTAAAATTAGAACCCACTGCCAAATATACACTTAGTA-3'
Protein context (NP_000384.2, residues 145-165): ERGPKGRPGP[Arg155His]GPQGIDGEPG

ClinVar aggregate classification (germline): Conflicting classifications of pathogenicity. Review status: criteria provided, conflicting classifications (1 of 4 stars). 2 submissions from 2 submitters: Uncertain significance (1); Likely benign (1). Last evaluated 2024-06-07.

Conditions:
Ehlers-Danlos syndrome, classic type, 1 (EDSCL1). Also called: EHLERS-DANLOS SYNDROME, GRAVIS TYPE; EHLERS-DANLOS SYNDROME, SEVERE CLASSIC TYPE; EDS I; Ehlers-Danlos Syndrome, Classic Type, COL5A1-Related; Ehlers-Danlos syndrome, type 1. Identifiers: MedGen C0268335, MONDO:0019567, OMIM 130000.

Allele frequency attached by ClinVar (database versions not stated): gnomAD 0.00001; TOPMed 0.00001; gnomAD exomes 0.00002 and 0.00001; ExAC 0.00004.
gnomAD v4.1: 39 of 1,592,326 alleles (0.0024%); highest among the groups gnomAD compares: Middle Eastern, 0.017%; no homozygotes.

Submissions (2):

GeneDx
Classification: Uncertain significance. Last evaluated: 2024-06-07. Review status: criteria provided, single submitter. Criteria: GeneDx Variant Classification Process June 2021. Collection method: clinical testing. Allele origin: germline. Affected: yes.
Comment: Not observed at significant frequency in large population cohorts (gnomAD); In silico analysis indicates that this missense variant does not alter protein structure/function; Has not been previously published as pathogenic or benign to our knowledge; Not located in the triple helical region, where the majority of pathogenic missense variants occur (PMID: 22696272; HGMD); This variant is associated with the following publications: (PMID: 22696272)

Labcorp Genetics (formerly Invitae), Labcorp
Classification: Likely benign for Ehlers-Danlos syndrome, classic type, 1. Last evaluated: 2023-05-19. Review status: criteria provided, single submitter. Criteria: Invitae Variant Classification Sherloc (09022015). Collection method: clinical testing. Allele origin: germline.